The following is an entry in ClinVar:

ClinVar aggregate classification (germline): Uncertain significance. Review status: criteria provided, multiple submitters, no conflicts (2 of 4 stars). 2 submissions from 2 submitters: Uncertain significance (2). Last evaluated 2026-08-12.

Conditions:
Neuronal ceroid lipofuscinosis 11. Also called: GRN-Related Neuronal Ceroid-Lipofuscinosis. Identifiers: Orphanet 314629, Orphanet 79262, MedGen C3539123, MONDO:0013866, OMIM 614706.
GRN-related frontotemporal lobar degeneration with Tdp43 inclusions (FTD2). Also called: DEMENTIA, HEREDITARY DYSPHASIC DISINHIBITION; FRONTOTEMPORAL LOBAR DEGENERATION WITH UBIQUITIN-POSITIVE INCLUSIONS; FTLD-TDP, GRN-RELATED; GRN Frontotemporal Dementia; FRONTOTEMPORAL DEMENTIA WITH TDP43 INCLUSIONS, GRN-RELATED. Identifiers: Orphanet 100070, Orphanet 282, MedGen C1843792, MONDO:0011842, OMIM 607485. Disease mechanism: loss of function.
Inborn genetic diseases. Identifiers: MedGen C0950123, MeSH D030342.

Submissions (2):

Ambry Genetics
Classification: Uncertain significance for Inborn genetic diseases. Last evaluated: 2026-08-12. Review status: criteria provided, single submitter. Criteria: Ambry Variant Classification Scheme 2023. Collection method: clinical testing. Allele origin: germline.

Labcorp Genetics (formerly Invitae), Labcorp
Classification: Uncertain significance for Neuronal ceroid lipofuscinosis 11; GRN-related frontotemporal lobar degeneration with Tdp43 inclusions. Last evaluated: 2024-08-17. Review status: criteria provided, single submitter. Criteria: Invitae Variant Classification Sherloc (09022015). Collection method: clinical testing. Allele origin: germline.
Comment: This sequence change replaces histidine, which is basic and polar, with glutamine, which is neutral and polar, at codon 557 of the GRN protein (p.His557Gln). This variant is not present in population databases (gnomAD no frequency). This variant has not been reported in the literature in individuals affected with GRN-related conditions. Invitae Evidence Modeling of protein sequence and biophysical properties (such as structural, functional, and spatial information, amino acid conservation, physicochemical variation, residue mobility, and thermodynamic stability) indicates that this missense variant is expected to disrupt GRN protein function with a positive predictive value of 80%. In summary, the available evidence is currently insufficient to determine the role of this variant in disease. Therefore, it has been classified as a Variant of Uncertain Significance.

NM_002087.4(GRN):c.1671C>G (p.His557Gln)

Gene: GRN (granulin precursor; plus strand). Cytogenetic location: 17q21.31.
Variant type: single nucleotide variant.
Coding change: c.1671C>G on transcript NM_002087.4 (MANE Select); coding-DNA position 1671, C replaced by G.
Protein change: p.His557Gln; replaces histidine 557 with glutamine.
Molecular consequence: missense variant.
Genome position (GRCh38, 1-based): chr17:44,352,687, C>G. VCF-style: chr17-44352687-C-G. GRCh37 (hg19) VCF-style: chr17-42430055-C-G.
Other names: short protein forms H557Q.
Identifiers: ClinVar variation 3757638 (VCV003757638.3).